The following is an entry in ClinVar:

NM_000288.4(PEX7):c.804-2A>C

Gene: PEX7 (peroxisomal biogenesis factor 7; plus strand). Cytogenetic location: 6q23.3.
Variant type: single nucleotide variant.
Coding change: c.804-2A>C on transcript NM_000288.4 (MANE Select); the canonical splice acceptor site of the intron before coding-DNA position 804, A replaced by C.
Molecular consequence: splice acceptor variant.
Genome position (GRCh38, 1-based): chr6:136,898,140, A>C. VCF-style: chr6-136898140-A-C. GRCh37 (hg19) VCF-style: chr6-137219278-A-C.
Other names: c.690-2A>C (NM_001410945.1); c.804-2A>C (NM_000288.3).
Identifiers: ClinVar variation 1486959 (VCV001486959.7), dbSNP rs774676095, ClinGen allele CA4017779.
Genomic context (GRCh38, chr6:136,898,140, plus strand): 5'-CTTAATATAAGTTTTTTGGTAGTTTTAGCATTTAAATTATTCCCTTTTATTTATCTTCAC[A>C]GATTCTGGAACTTTTCAAAGCCTGACTCTCTTCTTGAAACAGTGGAGCATCATACAGAGT-3'

ClinVar aggregate classification (germline): Pathogenic/Likely pathogenic. Review status: criteria provided, multiple submitters, no conflicts (2 of 4 stars). 2 submissions from 2 submitters: Pathogenic (1); Likely pathogenic (1). Last evaluated 2025-12-17.

Conditions:
Peroxisome biogenesis disorder 9B. Also called: PEX7-Related Refsum Disease; PEROXISOME BIOGENESIS DISORDER, PEX7-RELATED, ATYPICAL; Refsum disease, adult, 2. Identifiers: Orphanet 773, MedGen C2749346, MONDO:0013945, OMIM 614879.
Rhizomelic chondrodysplasia punctata (RCDP). Identifiers: Orphanet 177, MedGen C0282529, MONDO:0015776. Disease mechanism: loss of function.

Allele frequency attached by ClinVar (database versions not stated): gnomAD exomes below 0.00001 and 0.00001; TOPMed 0.00002; ExAC 0.00002.
gnomAD v4.1: 4 of 1,570,548 alleles (0.00025%); highest among the groups gnomAD compares: Admixed American, 0.0067%; no homozygotes.

Submissions (2):

Natera, Inc.
Classification: Likely pathogenic for Rhizomelic Chondrodysplasia Punctata. Last evaluated: 2025-12-17. Review status: criteria provided, single submitter. Criteria: Natera Variant Classification Schema (03/2026). Collection method: clinical testing. Allele origin: germline.
Comment: The c.804-2A>C variant in PEX7 is a canonical splice acceptor site variant predicted to affect pre-mRNA splicing, which may result in an abnormal transcript and altered protein product. This variant is expected to result in nonsense mediated decay, truncation, or a dysfunctional protein product. This variant is rare in the general population with a frequency below the threshold expected for the associated phenotype(s). This variant has been observed in one or more individuals affected with the associated recessive disease, as either homozygous or compound heterozygous with a second variant (PMID: 34529350). Given the available evidence, this variant is classified as Likely Pathogenic.

Labcorp Genetics (formerly Invitae), Labcorp
Classification: Pathogenic for Peroxisome biogenesis disorder 9B. Last evaluated: 2023-10-03. Review status: criteria provided, single submitter. Criteria: Invitae Variant Classification Sherloc (09022015). Collection method: clinical testing. Allele origin: germline.
Comment: This sequence change affects an acceptor splice site in intron 8 of the PEX7 gene. It is expected to disrupt RNA splicing. Variants that disrupt the donor or acceptor splice site typically lead to a loss of protein function (PMID: 16199547), and loss-of-function variants in PEX7 are known to be pathogenic (PMID: 12325024, 12522768, 20301447). This variant is present in population databases (rs774676095, gnomAD 0.009%). Disruption of this splice site has been observed in individual(s) with rhizomelic chondrodysplasia punctata (PMID: 34529350). In at least one individual the data is consistent with being in trans (on the opposite chromosome) from a pathogenic variant. ClinVar contains an entry for this variant (Variation ID: 1486959). Algorithms developed to predict the effect of sequence changes on RNA splicing suggest that this variant may disrupt the consensus splice site. For these reasons, this variant has been classified as Pathogenic.

Literature cited by the submitters: PubMed 34529350 (cited by Natera, Inc. and Labcorp Genetics (formerly Invitae), Labcorp); PubMed 16199547 (cited by Labcorp Genetics (formerly Invitae), Labcorp); PubMed 12325024 (cited by Labcorp Genetics (formerly Invitae), Labcorp); PubMed 12522768 (cited by Labcorp Genetics (formerly Invitae), Labcorp); PubMed 20301447 (cited by Labcorp Genetics (formerly Invitae), Labcorp).